The following is an entry in ClinVar:

NM_002448.3(MSX1):c.547C>A (p.Gln183Lys)

Gene: MSX1 (msh homeobox 1; plus strand). Cytogenetic location: 4p16.2.
Variant type: single nucleotide variant.
Coding change: c.547C>A on transcript NM_002448.3 (MANE Select); coding-DNA position 547, C replaced by A.
Protein change: p.Gln183Lys; replaces glutamine 183 with lysine.
Molecular consequence: missense variant.
Genome position (GRCh38, 1-based): chr4:4,862,778, C>A. VCF-style: chr4-4862778-C-A. GRCh37 (hg19) VCF-style: chr4-4864505-C-A.
Other names: short protein forms Q183K.
Identifiers: ClinVar variation 4995538 (VCV004995538.1).

ClinVar aggregate classification (germline): Uncertain significance (1 of 4 stars; one submission).

Conditions:
MSX1-related disorder. Also called: MSX1-related condition.

Submission:

PreventionGenetics, part of Exact Sciences
Classification: Uncertain significance for MSX1-related condition. Last evaluated: 2026-05-14. Review status: criteria provided, single submitter. Criteria: ACMG Guidelines, 2015. Collection method: clinical testing. Allele origin: germline.
Comment: The MSX1 c.547C>A variant is predicted to result in the amino acid substitution p.Gln183Lys. This variant was documented as de novo in an individual with tooth agenesis (Tingting and Haochen. 2025.). This variant has not been reported in the literature or in a large population database (gnomAD), indicating this variant is rare. At this time, the clinical significance of this variant is uncertain due to the absence of conclusive functional and genetic evidence.